The following is an entry in ClinVar:

ClinVar aggregate classification (germline): Uncertain significance (1 of 4 stars; one submission).

Submission:

GeneDx
Classification: Uncertain significance. Last evaluated: 2022-09-27. Review status: criteria provided, single submitter. Criteria: GeneDx Variant Classification Process June 2021. Collection method: clinical testing. Allele origin: germline. Affected: yes.
Comment: Not observed at significant frequency in large population cohorts (gnomAD); In silico analysis supports that this missense variant does not alter protein structure/function; Has not been previously published as pathogenic or benign to our knowledge

NM_001386298.1(CIC):c.5703G>T (p.Gln1901His)

Gene: CIC (capicua transcriptional repressor; plus strand). Cytogenetic location: 19q13.2.
Variant type: single nucleotide variant.
Coding change: c.5703G>T on transcript NM_001386298.1 (MANE Select); coding-DNA position 5703, G replaced by T.
Protein change: p.Gln1901His; replaces glutamine 1901 with histidine.
Molecular consequence: missense variant.
Genome position (GRCh38, 1-based): chr19:42,292,175, G>T. VCF-style: chr19-42292175-G-T. GRCh37 (hg19) VCF-style: chr19-42796327-G-T.
Other names: c.5703G>T, p.Gln1901His (NM_001304815.2, NM_001379480.1, NM_001379482.1 and 1 more transcripts); c.2976G>T, p.Gln992His (NM_001379484.1, NM_001379485.1, NM_015125.5); short protein forms Q1901H, Q992H.
Identifiers: ClinVar variation 2446129 (VCV002446129.1), dbSNP rs2147294012, ClinGen allele CA406113611.